The following is an entry in ClinVar:

ClinVar aggregate classification (germline): Uncertain significance (1 of 4 stars; one submission).

gnomAD v4.1: 6 of 1,613,612 alleles (0.00037%); highest among the groups gnomAD compares: Non-Finnish European, 0.00042%; no homozygotes.

Submission:

Labcorp Genetics (formerly Invitae), Labcorp
Classification: Uncertain significance. Last evaluated: 2021-04-23. Review status: criteria provided, single submitter. Criteria: Invitae Variant Classification Sherloc (09022015). Collection method: clinical testing. Allele origin: germline.
Comment: This variant is present in population databases (rs751767891, ExAC 0.001%). In summary, the available evidence is currently insufficient to determine the role of this variant in disease. Therefore, it has been classified as a Variant of Uncertain Significance. Algorithms developed to predict the effect of missense changes on protein structure and function (SIFT, PolyPhen-2, Align-GVGD) all suggest that this variant is likely to be tolerated, but these predictions have not been confirmed by published functional studies and their clinical significance is uncertain. This variant has not been reported in the literature in individuals with TTC37-related conditions. This sequence change replaces threonine with serine at codon 552 of the TTC37 protein (p.Thr552Ser). The threonine residue is weakly conserved and there is a small physicochemical difference between threonine and serine.

NM_014639.4(SKIC3):c.1654A>T (p.Thr552Ser)

Gene: SKIC3 (SKI3 subunit of superkiller complex; minus strand). Cytogenetic location: 5q15.
Variant type: single nucleotide variant.
Coding change: c.1654A>T on transcript NM_014639.4 (MANE Select); coding-DNA position 1654, A replaced by T.
Protein change: p.Thr552Ser; replaces threonine 552 with serine.
Molecular consequence: missense variant.
Genome position (GRCh38, 1-based): chr5:95,523,305, T>A on the plus strand (A>T on the coding strand, the complement: SKIC3 is on the minus strand). VCF-style: chr5-95523305-T-A. GRCh37 (hg19) VCF-style: chr5-94859009-T-A.
Other names: short protein forms T552S.
Identifiers: ClinVar variation 1472327 (VCV001472327.6), dbSNP rs751767891, ClinGen allele CA3347277.
Genomic context (GRCh38, chr5:95,523,305, plus strand): 5'-GTCCTCGCCTAAGCCAGGCCCATTTTGCCGTTCCAGCACTTGCCTTTTGAGTTACTGTTG[T>A]TAGGATAGCTAAAGCCATTTCCTAATAATAAGAAAATACTAATATTAGATATATTGAACA-3'
Protein context (NP_055454.1, residues 542-562): EDMEMALAIL[Thr552Ser]TVTQKASAGT